The following is an entry in ClinVar:

ClinVar aggregate classification (germline): Uncertain significance (1 of 4 stars; one submission).

Conditions:
Aortic valve disease 2 (AOVD2). Identifiers: MedGen C3542024, MONDO:0013902, OMIM 614823.

Allele frequency attached by ClinVar (database versions not stated): gnomAD exomes below 0.00001.
gnomAD v4.1: 3 of 1,608,318 alleles (0.00019%); highest among the groups gnomAD compares: Non-Finnish European, 0.00017%; no homozygotes.

Submission:

Labcorp Genetics (formerly Invitae), Labcorp
Classification: Uncertain significance for Aortic valve disease 2. Last evaluated: 2023-01-19. Review status: criteria provided, single submitter. Criteria: Invitae Variant Classification Sherloc (09022015). Collection method: clinical testing. Allele origin: germline.
Comment: In summary, the available evidence is currently insufficient to determine the role of this variant in disease. Therefore, it has been classified as a Variant of Uncertain Significance. Advanced modeling of protein sequence and biophysical properties (such as structural, functional, and spatial information, amino acid conservation, physicochemical variation, residue mobility, and thermodynamic stability) performed at Invitae indicates that this missense variant is not expected to disrupt SMAD6 protein function. This variant has not been reported in the literature in individuals affected with SMAD6-related conditions. This variant is not present in population databases (gnomAD no frequency). This sequence change replaces lysine, which is basic and polar, with asparagine, which is neutral and polar, at codon 386 of the SMAD6 protein (p.Lys386Asn).

NM_005585.5(SMAD6):c.1158G>T (p.Lys386Asn)

Gene: SMAD6 (SMAD family member 6; plus strand). Cytogenetic location: 15q22.31.
Variant type: single nucleotide variant.
Coding change: c.1158G>T on transcript NM_005585.5 (MANE Select); coding-DNA position 1158, G replaced by T.
Protein change: p.Lys386Asn; replaces lysine 386 with asparagine.
Molecular consequence: missense variant. On other transcripts: non-coding transcript variant (1).
Genome position (GRCh38, 1-based): chr15:66,781,202, G>T. VCF-style: chr15-66781202-G-T. GRCh37 (hg19) VCF-style: chr15-67073540-G-T.
Other names: short protein forms K386N.
Identifiers: ClinVar variation 2846044 (VCV002846044.3), dbSNP rs1328811574, ClinGen allele CA393201980.
Genomic context (GRCh38, chr15:66,781,202, plus strand): 5'-CTGCCTGGGCCAGCTCAACCTGGAGCAGCGCAGCGAGTCGGTGCGGCGAACGCGCAGCAA[G>T]ATCGGCTTCGGCATCCTGCTCAGCAAGGAGCCCGACGGCGTGTGGGCCTACAACCGCGGC-3'
Protein context (NP_005576.3, residues 376-396): RSESVRRTRS[Lys386Asn]IGFGILLSKE